The following is an entry in ClinVar:

ClinVar aggregate classification (germline): Uncertain significance. Review status: criteria provided, multiple submitters, no conflicts (2 of 4 stars). 4 submissions from 4 submitters: Uncertain significance (4). Last evaluated 2025-08-20.

Conditions:
Inborn genetic diseases. Identifiers: MedGen C0950123, MeSH D030342.

Allele frequency attached by ClinVar (database versions not stated): ESP Exome Variant Server 0.00008; gnomAD 0.00009; gnomAD exomes 0.00011 and 0.00014; TOPMed 0.00011; ExAC 0.00018; 1000 Genomes Project 0.00020; 1000 Genomes Project 30x 0.00031.
gnomAD v4.1: 216 of 1,576,156 alleles (0.014%); highest among the groups gnomAD compares: Non-Finnish European, 0.016%; no homozygotes.

Submissions (4):

Ambry Genetics
Classification: Uncertain significance for Inborn genetic diseases. Last evaluated: 2025-08-20. Review status: criteria provided, single submitter. Criteria: Ambry Variant Classification Scheme 2023. Collection method: clinical testing. Allele origin: germline.

Labcorp Genetics (formerly Invitae), Labcorp
Classification: Uncertain significance. Last evaluated: 2024-09-12. Review status: criteria provided, single submitter. Criteria: Invitae Variant Classification Sherloc (09022015). Collection method: clinical testing. Allele origin: germline.
Comment: This sequence change replaces glycine, which is neutral and non-polar, with serine, which is neutral and polar, at codon 1915 of the HSPG2 protein (p.Gly1915Ser). This variant is present in population databases (rs368203304, gnomAD 0.02%). This variant has not been reported in the literature in individuals affected with HSPG2-related conditions. ClinVar contains an entry for this variant (Variation ID: 1416041). An algorithm developed to predict the effect of missense changes on protein structure and function (PolyPhen-2) suggests that this variant¬†is likely to be tolerated. In summary, the available evidence is currently insufficient to determine the role of this variant in disease. Therefore, it has been classified as a Variant of Uncertain Significance.

Athena Diagnostics
Classification: Uncertain significance. Last evaluated: 2024-02-08. Review status: criteria provided, single submitter. Criteria: Athena Diagnostics Criteria. Collection method: clinical testing. Allele origin: unknown.
Comment: Available data are insufficient to determine the clinical significance of the variant at this time. The frequency of this variant in the general population is uninformative in assessment of its pathogenicity. Computational tools predict that this variant is not damaging.

Revvity Omics, Revvity
Classification: Uncertain significance. Last evaluated: 2019-06-24. Review status: criteria provided, single submitter. Criteria: ACMG Guidelines, 2015. Collection method: clinical testing. Allele origin: germline.

NM_005529.7(HSPG2):c.5743G>A (p.Gly1915Ser)

Gene: HSPG2 (heparan sulfate proteoglycan 2; minus strand). Cytogenetic location: 1p36.12.
Variant type: single nucleotide variant.
Coding change: c.5743G>A on transcript NM_005529.7 (MANE Select); coding-DNA position 5743, G replaced by A.
Protein change: p.Gly1915Ser; replaces glycine 1915 with serine.
Molecular consequence: missense variant.
Genome position (GRCh38, 1-based): chr1:21,855,634, C>T on the plus strand (G>A on the coding strand, the complement: HSPG2 is on the minus strand). VCF-style: chr1-21855634-C-T. GRCh37 (hg19) VCF-style: chr1-22182127-C-T.
Other names: c.5746G>A, p.Gly1916Ser (NM_001291860.2); c.5743G>A (NM_005529.6, NM_005529.5); short protein forms G1916S, G1915S.
Identifiers: ClinVar variation 1416041 (VCV001416041.13), dbSNP rs368203304, ClinGen allele CA671798.
Genomic context (GRCh38, chr1:21,855,634, plus strand): 5'-CTCGGCACAAGTACTGGGCCTGATCCGTGGGCTCGACAGCTGGCAGGCGCAGGATGCCGC[C>T]GTGGATTTGTGCCTTCGCAGGGAGCTGGCCGCCGGGGCCCCCTGACGAGTAGACGTGGGG-3'
Protein context (NP_005520.4, residues 1905-1925): GQLPAKAQIH[Gly1915Ser]GILRLPAVEP